The following is an entry in ClinVar:

NM_001164665.2(KIAA1549):c.391A>G (p.Ser131Gly)

Gene: KIAA1549 (KIAA1549; minus strand). Cytogenetic location: 7q34.
Variant type: single nucleotide variant.
Coding change: c.391A>G on transcript NM_001164665.2 (MANE Select); coding-DNA position 391, A replaced by G.
Protein change: p.Ser131Gly; replaces serine 131 with glycine.
Molecular consequence: missense variant.
Genome position (GRCh38, 1-based): chr7:138,919,235, T>C on the plus strand (A>G on the coding strand, the complement: KIAA1549 is on the minus strand). VCF-style: chr7-138919235-T-C. GRCh37 (hg19) VCF-style: chr7-138603981-T-C.
Other names: c.391A>G, p.Ser131Gly (NM_020910.3); short protein forms S131G.
Identifiers: ClinVar variation 967635 (VCV000967635.9), dbSNP rs1158477076, ClinGen allele CA369403168.

ClinVar aggregate classification (germline): Uncertain significance (1 of 4 stars; one submission).

Allele frequency attached by ClinVar (database versions not stated): gnomAD exomes below 0.00001 and 0.00001.
gnomAD v4.1: 7 of 1,614,034 alleles (0.00043%); highest among the groups gnomAD compares: Non-Finnish European, 0.00059%; no homozygotes.

Submission:

Labcorp Genetics (formerly Invitae), Labcorp
Classification: Uncertain significance. Last evaluated: 2019-10-15. Review status: criteria provided, single submitter. Criteria: Invitae Variant Classification Sherloc (09022015). Collection method: clinical testing. Allele origin: germline.
Comment: In summary, the available evidence is currently insufficient to determine the role of this variant in disease. Therefore, it has been classified as a Variant of Uncertain Significance. Algorithms developed to predict the effect of missense changes on protein structure and function are either unavailable or do not agree on the potential impact of this missense change (SIFT: "Deleterious"; PolyPhen-2: "Benign"; Align-GVGD: "Class C0"). This variant has not been reported in the literature in individuals with KIAA1549-related conditions. This variant is not present in population databases (ExAC no frequency). This sequence change replaces serine with glycine at codon 131 of the KIAA1549 protein (p.Ser131Gly). The serine residue is moderately conserved and there is a small physicochemical difference between serine and glycine.